The following is an entry in ClinVar:

ClinVar aggregate classification (germline): Pathogenic (1 of 4 stars; one submission).

Conditions:
Familial thoracic aortic aneurysm and aortic dissection (TAAD). Also called: Thoracic aortic aneurysms and dissections. Identifiers: Orphanet 91387, MedGen C4707243, MONDO:0019625.
Marfan syndrome (MFS). Also called: FBN1-Related Marfan Syndrome; Marfan syndrome type 1; Marfan's syndrome; Marfan syndrome, classic; MARFAN SYNDROME, TYPE I. Identifiers: Orphanet 284963, Orphanet 558, MedGen C0024796, MONDO:0007947, OMIM 154700.

Submission:

Labcorp Genetics (formerly Invitae), Labcorp
Classification: Pathogenic for Marfan syndrome; Familial thoracic aortic aneurysm and aortic dissection. Last evaluated: 2018-11-06. Review status: criteria provided, single submitter. Criteria: Invitae Variant Classification Sherloc (09022015). Collection method: clinical testing. Allele origin: germline.
Comment: Loss-of-function variants in FBN1 are known to be pathogenic (PMID: 17657824, 19293843). For these reasons, this variant has been classified as Pathogenic. This variant is not present in population databases (ExAC no frequency). This sequence change creates a premature translational stop signal (p.Cys1631*) in the FBN1 gene. It is expected to result in an absent or disrupted protein product.

Literature cited by the submitters: PubMed 17657824; PubMed 19293843.

NM_000138.5(FBN1):c.4893C>A (p.Cys1631Ter)

Gene: FBN1 (fibrillin 1; minus strand). Cytogenetic location: 15q21.1.
Variant type: single nucleotide variant.
Coding change: c.4893C>A on transcript NM_000138.5 (MANE Select); coding-DNA position 4893, C replaced by A.
Protein change: p.Cys1631Ter; replaces cysteine 1631 with a stop codon.
Molecular consequence: nonsense.
Genome position (GRCh38, 1-based): chr15:48,465,617, G>T on the plus strand (C>A on the coding strand, the complement: FBN1 is on the minus strand). VCF-style: chr15-48465617-G-T. GRCh37 (hg19) VCF-style: chr15-48757814-G-T.
Other names: short protein forms C1631*.
Identifiers: ClinVar variation 646299 (VCV000646299.8), dbSNP rs1597547030, ClinGen allele CA392351151.
Genomic context (GRCh38, chr15:48,465,617, plus strand): 5'-GGACCATTTACCATCACACACTCGTGTATCTTCATTCAGGTAGTAGCCGGTTGGACAGCG[G>T]CACTGGAAACTCCCAAAGGTGTTGATACATTTTCCTCCTTGGCACAGCCCTGGTAGCTCC-3'